The following is an entry in ClinVar:

NM_052813.5(CARD9):c.1277A>G (p.Asp426Gly)

Gene: CARD9 (caspase recruitment domain family member 9; minus strand). Cytogenetic location: 9q34.3.
Variant type: single nucleotide variant.
Coding change: c.1277A>G on transcript NM_052813.5 (MANE Select); coding-DNA position 1277, A replaced by G.
Protein change: p.Asp426Gly; replaces aspartic acid 426 with glycine.
Molecular consequence: missense variant.
Genome position (GRCh38, 1-based): chr9:136,367,250, T>C on the plus strand (A>G on the coding strand, the complement: CARD9 is on the minus strand). VCF-style: chr9-136367250-T-C. GRCh37 (hg19) VCF-style: chr9-139261702-T-C.
Other names: c.1277A>G, p.Asp426Gly (NM_052814.4); short protein forms D426G.
Identifiers: ClinVar variation 654256 (VCV000654256.8), dbSNP rs760553828, ClinGen allele CA5332737.

ClinVar aggregate classification (germline): Uncertain significance (1 of 4 stars; one submission).

Conditions:
Predisposition to invasive fungal disease due to CARD9 deficiency (IMD103). Also called: Candidiasis, familial, 2, autosomal recessive; IMMUNODEFICIENCY 103, SUSCEPTIBILITY TO FUNGAL INFECTIONS; CARD9 IMMUNODEFICIENCY. Identifiers: Orphanet 457088, MedGen C1859353, MONDO:0008905, OMIM 212050.

Allele frequency attached by ClinVar (database versions not stated): gnomAD below 0.00001 and 0.00001; TOPMed 0.00001; gnomAD exomes 0.00003 and 0.00006; ExAC 0.00007.
gnomAD v4.1: 45 of 1,612,716 alleles (0.0028%); highest among the groups gnomAD compares: South Asian, 0.042%; no homozygotes.

Submission:

Labcorp Genetics (formerly Invitae), Labcorp
Classification: Uncertain significance for Predisposition to invasive fungal disease due to CARD9 deficiency. Last evaluated: 2022-02-02. Review status: criteria provided, single submitter. Criteria: Invitae Variant Classification Sherloc (09022015). Collection method: clinical testing. Allele origin: germline.
Comment: This sequence change replaces aspartic acid, which is acidic and polar, with glycine, which is neutral and non-polar, at codon 426 of the CARD9 protein (p.Asp426Gly). This variant is present in population databases (rs760553828, gnomAD 0.05%). This variant has not been reported in the literature in individuals affected with CARD9-related conditions. ClinVar contains an entry for this variant (Variation ID: 654256). Algorithms developed to predict the effect of missense changes on protein structure and function are either unavailable or do not agree on the potential impact of this missense change (SIFT: "Deleterious"; PolyPhen-2: "Probably Damaging"; Align-GVGD: "Class C0"). In summary, the available evidence is currently insufficient to determine the role of this variant in disease. Therefore, it has been classified as a Variant of Uncertain Significance.